The following is an entry in ClinVar:

NM_032229.3(SLITRK6):c.1665G>T (p.Lys555Asn)

Gene: SLITRK6 (SLIT and NTRK like family member 6; minus strand). Cytogenetic location: 13q31.1.
Variant type: single nucleotide variant.
Coding change: c.1665G>T on transcript NM_032229.3 (MANE Select); coding-DNA position 1665, G replaced by T.
Protein change: p.Lys555Asn; replaces lysine 555 with asparagine.
Molecular consequence: missense variant.
Genome position (GRCh38, 1-based): chr13:85,794,844, C>A on the plus strand (G>T on the coding strand, the complement: SLITRK6 is on the minus strand). VCF-style: chr13-85794844-C-A. GRCh37 (hg19) VCF-style: chr13-86368979-C-A.
Other names: short protein forms K555N.
Identifiers: ClinVar variation 2206513 (VCV002206513.4), dbSNP rs767095824, ClinGen allele CA7015057.

ClinVar aggregate classification (germline): Uncertain significance. Review status: criteria provided, multiple submitters, no conflicts (2 of 4 stars). 2 submissions from 2 submitters: Uncertain significance (2). Last evaluated 2024-11-10.

Conditions:
Inborn genetic diseases. Identifiers: MedGen C0950123, MeSH D030342.

Allele frequency attached by ClinVar (database versions not stated): gnomAD 0.00001; gnomAD exomes 0.00002; TOPMed 0.00002; ExAC 0.00004.
gnomAD v4.1: 26 of 1,612,876 alleles (0.0016%); highest among the groups gnomAD compares: Middle Eastern, 0.016%; no homozygotes.

Submissions (2):

Ambry Genetics
Classification: Uncertain significance for Inborn genetic diseases. Last evaluated: 2024-11-10. Review status: criteria provided, single submitter. Criteria: Ambry Variant Classification Scheme 2023. Collection method: clinical testing. Allele origin: germline.

GeneDx
Classification: Uncertain significance. Last evaluated: 2024-01-10. Review status: criteria provided, single submitter. Criteria: GeneDx Variant Classification Process June 2021. Collection method: clinical testing. Allele origin: germline. Affected: yes.
Comment: In silico analysis supports that this missense variant does not alter protein structure/function; Has not been previously published as pathogenic or benign to our knowledge